The following is an entry in ClinVar:

NM_006343.3(MERTK):c.1948A>T (p.Ile650Phe)

Gene: MERTK (MER proto-oncogene, tyrosine kinase; plus strand). Cytogenetic location: 2q13.
Variant type: single nucleotide variant.
Coding change: c.1948A>T on transcript NM_006343.3 (MANE Select); coding-DNA position 1948, A replaced by T.
Protein change: p.Ile650Phe; replaces isoleucine 650 with phenylalanine.
Molecular consequence: missense variant.
Genome position (GRCh38, 1-based): chr2:112,008,463, A>T. VCF-style: chr2-112008463-A-T. GRCh37 (hg19) VCF-style: chr2-112766040-A-T.
Other names: short protein forms I650F.
Identifiers: ClinVar variation 2130395 (VCV002130395.4), dbSNP rs2466889365, ClinGen allele CA348233386.

ClinVar aggregate classification (germline): Uncertain significance (1 of 4 stars; one submission).

Submission:

Labcorp Genetics (formerly Invitae), Labcorp
Classification: Uncertain significance. Last evaluated: 2022-04-24. Review status: criteria provided, single submitter. Criteria: Invitae Variant Classification Sherloc (09022015). Collection method: clinical testing. Allele origin: germline.
Comment: This sequence change replaces isoleucine, which is neutral and non-polar, with phenylalanine, which is neutral and non-polar, at codon 650 of the MERTK protein (p.Ile650Phe). This variant is not present in population databases (gnomAD no frequency). This variant has not been reported in the literature in individuals affected with MERTK-related conditions. Algorithms developed to predict the effect of missense changes on protein structure and function are either unavailable or do not agree on the potential impact of this missense change (SIFT: "Deleterious"; PolyPhen-2: "Probably Damaging"; Align-GVGD: "Class C0"). In summary, the available evidence is currently insufficient to determine the role of this variant in disease. Therefore, it has been classified as a Variant of Uncertain Significance.